The following is an entry in ClinVar:

ClinVar aggregate classification (germline): Uncertain significance (1 of 4 stars; one submission).

Conditions:
Epidermolysis bullosa simplex 5C, with pyloric atresia (EBS5C). Also called: Epidermolysis bullosa simplex with pyloric atresia; PLEC-Related Epidermolysis Bullosa with Pyloric Atresia; PLEC1-Related Epidermolysis Bullosa with Pyloric Atresia. Identifiers: Orphanet 158684, MedGen C2677349, MONDO:0012807, OMIM 612138.
Epidermolysis bullosa simplex with nail dystrophy (EBS5D). Identifiers: MedGen C4225309, MONDO:0014661, OMIM 616487.
Epidermolysis bullosa simplex 5B, with muscular dystrophy (EBS5B). Also called: Epidermolysis bullosa simplex with muscular dystrophy; EPIDERMOLYSIS BULLOSA SIMPLEX AND LIMB-GIRDLE MUSCULAR DYSTROPHY. Identifiers: Orphanet 257, MedGen C2931072, MONDO:0009181, OMIM 226670.
Autosomal recessive limb-girdle muscular dystrophy type 2Q (LGMDR17). Also called: MUSCULAR DYSTROPHY, LIMB-GIRDLE, AUTOSOMAL RECESSIVE 17. Identifiers: Orphanet 254361, MedGen C3150989, MONDO:0013390, OMIM 613723.
Epidermolysis bullosa simplex, Ogna type (EBS5A). Also called: Pidermolysis bullosa simplex 5A, Ogna type; EPIDERMOLYSIS BULLOSA SIMPLEX 5A, OGNA TYPE. Identifiers: Orphanet 79401, MedGen C0432317, MONDO:0007555, OMIM 131950.

Allele frequency attached by ClinVar (database versions not stated): gnomAD exomes below 0.00001; ExAC 0.00001.
gnomAD v4.1: 5 of 1,612,654 alleles (0.00031%); highest among the groups gnomAD compares: Non-Finnish European, 0.00034%; no homozygotes.

Submission:

Labcorp Genetics (formerly Invitae), Labcorp
Classification: Uncertain significance for Autosomal recessive limb-girdle muscular dystrophy type 2Q; Epidermolysis bullosa simplex, Ogna type; Epidermolysis bullosa simplex with nail dystrophy; Epidermolysis bullosa simplex 5C, with pyloric atresia; Epidermolysis bullosa simplex 5B, with muscular dystrophy. Last evaluated: 2021-05-09. Review status: criteria provided, single submitter. Criteria: Invitae Variant Classification Sherloc (09022015). Collection method: clinical testing. Allele origin: germline.
Comment: In summary, the available evidence is currently insufficient to determine the role of this variant in disease. Therefore, it has been classified as a Variant of Uncertain Significance. Algorithms developed to predict the effect of sequence changes on RNA splicing suggest that this variant may create or strengthen a splice site, but this prediction has not been confirmed by published transcriptional studies. This variant has not been reported in the literature in individuals with PLEC-related conditions. This variant is present in population databases (rs782632148, ExAC 0.002%). This sequence change affects codon 298 of the PLEC mRNA. It is a 'silent' change, meaning that it does not change the encoded amino acid sequence of the PLEC protein.

NM_201384.3(PLEC):c.813G>T (p.Gly271=)

Gene: PLEC (plectin; minus strand). Cytogenetic location: 8q24.3.
Variant type: single nucleotide variant.
Coding change: c.813G>T on transcript NM_201384.3 (MANE Select); coding-DNA position 813, G replaced by T.
Protein change: p.Gly271=; no amino-acid change (glycine 271 retained).
Molecular consequence: synonymous variant.
Genome position (GRCh38, 1-based): chr8:143,935,023, C>A on the plus strand (G>T on the coding strand, the complement: PLEC is on the minus strand). VCF-style: chr8-143935023-C-A. GRCh37 (hg19) VCF-style: chr8-145009191-C-A.
Other names: c.894G>T, p.Gly298= (NM_000445.5); c.771G>T, p.Gly257= (NM_201378.4); c.747G>T, p.Gly249= (NM_201379.3); c.1224G>T, p.Gly408= (NM_201380.4); c.717G>T, p.Gly239= (NM_201381.3); c.813G>T, p.Gly271= (NM_201382.4); c.825G>T, p.Gly275= (NM_201383.3).
Identifiers: ClinVar variation 1401953 (VCV001401953.8), dbSNP rs782632148, ClinGen allele CA4928310.